The following is an entry in ClinVar:

NM_006598.3(SLC12A7):c.1455-21CGCCTGCC[3]

Gene: SLC12A7 (solute carrier family 12 member 7; minus strand). Cytogenetic location: 5p15.33.
Variant type: Microsatellite.
Coding change: c.1455-21CGCCTGCC[3] on transcript NM_006598.3 (MANE Select); three copies in a row of the 8-base unit CGCCTGCC starting at c.1455-21; the reference has two copies in a row; one copy, 8 bases duplicated.
Molecular consequence: intron variant.
Genome position (GRCh38, 1-based): chr5:1,078,013-1,078,020, GGCAGGCG duplicated on the plus strand (CGCCTGCC on the coding strand, the reverse complement: SLC12A7 is on the minus strand); duplicating any 8 consecutive bases within chr5:1,078,013-1,078,031 gives the same sequence; the position shown is the placement nearest the transcript's 3' end. VCF-style (leftmost placement, unchanged base first): chr5-1078012-A-AGGCAGGCG. GRCh37 (hg19) VCF-style: chr5-1078127-A-AGGCAGGCG.
Identifiers: ClinVar variation 2655266 (VCV002655266.24), dbSNP rs768367750, ClinGen allele CA3181822.

ClinVar aggregate classification (germline): Likely benign (1 of 4 stars; one submission).

Submission:

CeGaT Center for Human Genetics Tuebingen
Classification: Likely benign. Last evaluated: 2023-01-01. Review status: criteria provided, single submitter. Criteria: CeGaT Center For Human Genetics Tuebingen Variant Classification Criteria Version 2. Collection method: clinical testing. Allele origin: germline. Affected: yes. Observed: 2 variant alleles.
Comment: SLC12A7: BP4